The following is an entry in ClinVar:

NM_030665.4(RAI1):c.4060G>A (p.Gly1354Ser)

Gene: RAI1 (retinoic acid induced 1; plus strand). Cytogenetic location: 17p11.2.
Variant type: single nucleotide variant.
Coding change: c.4060G>A on transcript NM_030665.4 (MANE Select); coding-DNA position 4060, G replaced by A.
Protein change: p.Gly1354Ser; replaces glycine 1354 with serine.
Molecular consequence: missense variant.
Genome position (GRCh38, 1-based): chr17:17,797,008, G>A. VCF-style: chr17-17797008-G-A. GRCh37 (hg19) VCF-style: chr17-17700322-G-A.
Other names: short protein forms G1354S.
Identifiers: ClinVar variation 1714678 (VCV001714678.5), dbSNP rs758207311, ClinGen allele CA8418886.

ClinVar aggregate classification (germline): Uncertain significance (1 of 4 stars; one submission).

Allele frequency attached by ClinVar (database versions not stated): gnomAD exomes below 0.00001; ExAC 0.00001.
gnomAD v4.1: 1 of 1,613,914 alleles (0.000062%); highest among the groups gnomAD compares: Admixed American, 0.0017%; no homozygotes.

Submission:

Labcorp Genetics (formerly Invitae), Labcorp
Classification: Uncertain significance. Last evaluated: 2025-02-25. Review status: criteria provided, single submitter. Criteria: Invitae Variant Classification Sherloc (09022015). Collection method: clinical testing. Allele origin: germline.
Comment: This sequence change replaces glycine, which is neutral and non-polar, with serine, which is neutral and polar, at codon 1354 of the RAI1 protein (p.Gly1354Ser). This variant is present in population databases (rs758207311, gnomAD 0.003%). This variant has not been reported in the literature in individuals affected with RAI1-related conditions. ClinVar contains an entry for this variant (Variation ID: 1714678). Invitae Evidence Modeling of protein sequence and biophysical properties (such as structural, functional, and spatial information, amino acid conservation, physicochemical variation, residue mobility, and thermodynamic stability) indicates that this missense variant is not expected to disrupt RAI1 protein function with a negative predictive value of 80%. In summary, the available evidence is currently insufficient to determine the role of this variant in disease. Therefore, it has been classified as a Variant of Uncertain Significance.